The following is an entry in ClinVar:

ClinVar aggregate classification (germline): Uncertain significance (1 of 4 stars; one submission).

Conditions:
Microcephaly, developmental delay, and brittle hair syndrome. Identifiers: MedGen C5394425, MONDO:0030047, OMIM 618891.

Allele frequency attached by ClinVar (database versions not stated): gnomAD exomes below 0.00001.

Submission:

3billion
Classification: Uncertain significance for Microcephaly, developmental delay, and brittle hair syndrome. Last evaluated: 2022-01-03. Review status: criteria provided, single submitter. Criteria: ACMG Guidelines, 2015. Collection method: clinical testing. Allele origin: germline. Affected: yes. Observed: 1 heterozygote.
Comment: The variant is observed at an extremely low frequency in the gnomAD v2.1.1 dataset (total allele frequency: 0.000006, PM2_M). In silico tool predictions suggest damaging effect of the variant on gene or gene product (REVEL: 0.657, 3CNET: 0.808, PP3_P). A missense variant is a common mechanism associated with Microcephaly (PP2_P). Therefore, this variant is classified as uncertain significance according to the recommendation of ACMG/AMP guideline.

NM_001014437.3(CARS1):c.1391C>T (p.Ser464Leu)

Gene: CARS1 (cysteinyl-tRNA synthetase 1; minus strand). Cytogenetic location: 11p15.4.
Variant type: single nucleotide variant.
Coding change: c.1391C>T on transcript NM_001014437.3 (MANE Select); coding-DNA position 1391, C replaced by T.
Protein change: p.Ser464Leu; replaces serine 464 with leucine.
Molecular consequence: missense variant. On other transcripts: non-coding transcript variant (4).
Genome position (GRCh38, 1-based): chr11:3,019,143, G>A on the plus strand (C>T on the coding strand, the complement: CARS1 is on the minus strand). VCF-style: chr11-3019143-G-A. GRCh37 (hg19) VCF-style: chr11-3040373-G-A.
Other names: c.1391C>T, p.Ser464Leu (NM_001194997.2); c.1181C>T, p.Ser394Leu (NM_001378136.1); c.1112C>T, p.Ser371Leu (NM_001378137.1, NM_001378138.1, NM_001378139.1); c.866C>T, p.Ser289Leu (NM_001378140.1); c.1142C>T, p.Ser381Leu (NM_001751.6, NM_139273.4); short protein forms S289L, S371L, S381L, S394L, S464L.
Identifiers: ClinVar variation 1333561 (VCV001333561.1), dbSNP rs752227438, ClinGen allele CA379153246.
Genomic context (GRCh38, chr11:3,019,143, plus strand): 5'-CTGCAGTATGAACACTGTGCTCTTGCACCTGACAAGGGGACTCTGTTTTCACCTACCTCC[G>A]ACTGTGCCAGCTCATTGTCATGGTGGGGGAACCGGAGGTCGAACCCACCTCCGTGAATGT-3'
Protein context (NP_001014437.1, residues 454-474): FPHHDNELAQ[Ser464Leu]EAYFENDCWV